The following is an entry in ClinVar:

ClinVar aggregate classification (germline): Uncertain significance (1 of 4 stars; one submission).

Conditions:
Hereditary cancer-predisposing syndrome. Also called: Neoplastic Syndromes, Hereditary; Tumor predisposition; Hereditary Cancer Syndrome; Hereditary neoplastic syndrome. Identifiers: Orphanet 140162, MedGen C0027672, MeSH D009386, MONDO:0015356.

Submission:

Ambry Genetics
Classification: Uncertain significance for Hereditary cancer-predisposing syndrome. Last evaluated: 2026-03-02. Review status: criteria provided, single submitter. Criteria: Ambry Variant Classification Scheme 2023. Collection method: clinical testing. Allele origin: germline.
Comment: The p.R585P variant (also known as c.1754G>C), located in coding exon 16 of the TSC2 gene, results from a G to C substitution at nucleotide position 1754. The arginine at codon 585 is replaced by proline, an amino acid with dissimilar properties. This amino acid position is well conserved in available vertebrate species. In addition, this alteration is predicted to be deleterious by in silico analysis. Based on the available evidence, the clinical significance of this variant remains unclear.

NM_000548.5(TSC2):c.1754G>C (p.Arg585Pro)

Gene: TSC2 (TSC complex subunit 2; plus strand). Cytogenetic location: 16p13.3.
Variant type: single nucleotide variant.
Coding change: c.1754G>C on transcript NM_000548.5 (MANE Select); coding-DNA position 1754, G replaced by C.
Protein change: p.Arg585Pro; replaces arginine 585 with proline.
Molecular consequence: missense variant. On other transcripts: non-coding transcript variant (5).
Genome position (GRCh38, 1-based): chr16:2,070,493, G>C. VCF-style: chr16-2070493-G-C. GRCh37 (hg19) VCF-style: chr16-2120494-G-C.
Other names: c.410G>C, p.Arg137Pro (NM_001406691.1, NM_001406692.1, NM_001406693.1 and 6 more transcripts); c.152G>C, p.Arg51Pro (NM_001406698.1); c.1754G>C, p.Arg585Pro (NM_021055.3, NM_001077183.3, NM_001114382.3 and 6 more transcripts); c.1643G>C, p.Arg548Pro (NM_001318827.2, NM_001406670.1, NM_001406678.1); c.1607G>C, p.Arg536Pro (NM_001318829.2, NM_001406675.1, NM_001406676.1 and 1 more transcripts); c.1154G>C, p.Arg385Pro (NM_001318831.2, NM_001406680.1, NM_001406682.1 and 6 more transcripts); c.1787G>C, p.Arg596Pro (NM_001318832.2); c.1844G>C, p.Arg615Pro (NM_001406667.1, NM_001406668.1); and 3 more; short protein forms R536P, R615P, R431P, R548P, R566P, R596P, R385P, R581P.
Identifiers: ClinVar variation 4826462 (VCV004826462.1).
Genomic context (GRCh38, chr16:2,070,493, plus strand): 5'-TGAGCTGCGTCCTCTCTCTGCAGACCAAGCTGTACACCCTGCCTGCAAGCCACGCCACGC[G>C]TGTGTATGAGATGCTGGTCAGCCACATTCAGCTCCACTACAAGCACAGCTACACCCTGCC-3'
Protein context (NP_000539.2, residues 575-595): LYTLPASHAT[Arg585Pro]VYEMLVSHIQ